The following is an entry in ClinVar:

NM_006343.3(MERTK):c.2916G>A (p.Ser972=)

Gene: MERTK (MER proto-oncogene, tyrosine kinase; plus strand). Cytogenetic location: 2q13.
Variant type: single nucleotide variant.
Coding change: c.2916G>A on transcript NM_006343.3 (MANE Select); coding-DNA position 2916, G replaced by A.
Protein change: p.Ser972=; no amino-acid change (serine 972 retained).
Molecular consequence: synonymous variant.
Genome position (GRCh38, 1-based): chr2:112,028,780, G>A. VCF-style: chr2-112028780-G-A. GRCh37 (hg19) VCF-style: chr2-112786357-G-A.
Identifiers: ClinVar variation 167290 (VCV000167290.21), dbSNP rs10205793, ClinGen allele CA180189.

ClinVar aggregate classification (germline): Benign. Review status: criteria provided, multiple submitters, no conflicts (2 of 4 stars). 6 submissions from 6 submitters: Benign (6). Last evaluated 2026-02-02.

Conditions:
Retinitis pigmentosa (RP). Identifiers: Orphanet 791, MedGen C0035334, MeSH D012174, MONDO:0019200, OMIM 268000. Inheritance: Autosomal dominant, autosomal recessive and X linked inheritance.
Retinal dystrophy. Also called: Inherited retinal dystrophy. Identifiers: Orphanet 71862, MedGen C0854723, MeSH D058499, MONDO:0019118, HP:0000556.
Retinitis pigmentosa 38 (RP38). Also called: ROD-CONE DYSTROPHY, CHILDHOOD-ONSET. Identifiers: Orphanet 791, MedGen C3151228, MONDO:0013469, OMIM 613862.

Allele frequency attached by ClinVar (database versions not stated): gnomAD exomes 0.03569 and 0.03927; ExAC 0.04072; 1000 Genomes Project 0.05072; 1000 Genomes Project 30x 0.05122; TOPMed 0.05673; gnomAD 0.05688 and 0.06012; ESP Exome Variant Server 0.06389.
gnomAD v4.1: 60,764 of 1,613,998 alleles (3.8%); highest among the groups gnomAD compares: African/African-American, 11%; 1,461 homozygotes.

Submissions (6):

Labcorp Genetics (formerly Invitae), Labcorp
Classification: Benign. Last evaluated: 2026-02-02. Review status: criteria provided, single submitter. Criteria: Invitae Variant Classification Sherloc (09022015). Collection method: clinical testing. Allele origin: germline.

Dept Of Ophthalmology, Nagoya University
Classification: Benign for Retinal dystrophy. Last evaluated: 2023-10-01. Review status: criteria provided, single submitter. Criteria: Submitter's publication. Collection method: research. Allele origin: germline. Affected: yes.

Genome-Nilou Lab
Classification: Benign for Retinitis pigmentosa 38. Last evaluated: 2021-09-05. Review status: criteria provided, single submitter. Criteria: ACMG Guidelines, 2015. Collection method: clinical testing. Allele origin: germline. Affected: no.

Illumina Laboratory Services, Illumina
Classification: Benign for Retinitis pigmentosa. Last evaluated: 2018-01-13. Review status: criteria provided, single submitter. Criteria: ICSL Variant Classification Criteria 13 December 2019. Collection method: clinical testing. Allele origin: germline.
Comment: This variant was observed in the ICSL laboratory as part of a predisposition screen in an ostensibly healthy population. It had not been previously curated by ICSL or reported in the Human Gene Mutation Database (HGMD: prior to June 1st, 2018), and was therefore a candidate for classification through an automated scoring system. Utilizing variant allele frequency, disease prevalence and penetrance estimates, and inheritance mode, an automated score was calculated to assess if this variant is too frequent to cause the disease. Based on the score and internal cut-off values, a variant classified as benign is not then subjected to further curation. The score for this variant resulted in a classification of benign for this disease.

Eurofins Ntd Llc (ga)
Classification: Benign. Last evaluated: 2014-03-17. Review status: criteria provided, single submitter. Criteria: EGL Classification Definitions 2015. Collection method: clinical testing. Allele origin: germline. Observed: 1 variant allele, 1 heterozygote.

Breakthrough Genomics
Classification: Benign. Review status: criteria provided, single submitter. Criteria: ACMG Guidelines, 2015. Collection method: not provided. Allele origin: germline. Inheritance: Autosomal recessive inheritance. Affected: yes.